The following is an entry in ClinVar:

NM_015346.4(ZFYVE26):c.6509A>C (p.Tyr2170Ser)

Gene: ZFYVE26 (zinc finger FYVE-type containing 26; minus strand). Cytogenetic location: 14q24.1.
Variant type: single nucleotide variant.
Coding change: c.6509A>C on transcript NM_015346.4 (MANE Select); coding-DNA position 6509, A replaced by C.
Protein change: p.Tyr2170Ser; replaces tyrosine 2170 with serine.
Molecular consequence: missense variant.
Genome position (GRCh38, 1-based): chr14:67,761,445, T>G on the plus strand (A>C on the coding strand, the complement: ZFYVE26 is on the minus strand). VCF-style: chr14-67761445-T-G. GRCh37 (hg19) VCF-style: chr14-68228162-T-G.
Other names: short protein forms Y2170S.
Identifiers: ClinVar variation 837665 (VCV000837665.3), dbSNP rs763583609, ClinGen allele CA390162955.
Genomic context (GRCh38, chr14:67,761,445, plus strand): 5'-AGAGCTTCCCGCAGGCAGCTGTGCCTCACGTAGAAGCTGATGATGGCCAGGTTGGTGCTA[T>G]AGTTGTGCAGGTAGAAGAGGCATTCCTGGTAGTAGGTGTTGTTCATGATTTTCCCTTCAG-3'
Protein context (NP_056161.2, residues 2160-2180): YQECLFYLHN[Tyr2170Ser]STNLAIISFY

ClinVar aggregate classification (germline): Uncertain significance (1 of 4 stars; one submission).

Conditions:
Spastic paraplegia. Identifiers: MedGen C0037772, HP:0001258.

gnomAD v4.1: 1 of 1,614,160 alleles (0.000062%); highest among the groups gnomAD compares: Non-Finnish European, 0.000085%; no homozygotes.

Submission:

Labcorp Genetics (formerly Invitae), Labcorp
Classification: Uncertain significance for Spastic paraplegia. Last evaluated: 2021-08-26. Review status: criteria provided, single submitter. Criteria: Invitae Variant Classification Sherloc (09022015). Collection method: clinical testing. Allele origin: germline.
Comment: This sequence change replaces tyrosine with serine at codon 2170 of the ZFYVE26 protein (p.Tyr2170Ser). The tyrosine residue is highly conserved and there is a large physicochemical difference between tyrosine and serine. This variant is not present in population databases (ExAC no frequency). This variant has not been reported in the literature in individuals affected with ZFYVE26-related conditions. Algorithms developed to predict the effect of missense changes on protein structure and function are either unavailable or do not agree on the potential impact of this missense change (SIFT: "Deleterious"; PolyPhen-2: "Probably Damaging"; Align-GVGD: "Class C0"). In summary, the available evidence is currently insufficient to determine the role of this variant in disease. Therefore, it has been classified as a Variant of Uncertain Significance.